The following is an entry in ClinVar:

ClinVar aggregate classification (germline): Likely pathogenic (1 of 4 stars; one submission).

gnomAD v4.1: 27 of 1,614,040 alleles (0.0017%); highest among the groups gnomAD compares: Middle Eastern, 0.033%; no homozygotes.

Submission:

CeGaT Center for Human Genetics Tuebingen
Classification: Likely pathogenic. Last evaluated: 2026-07-01. Review status: criteria provided, single submitter. Criteria: CeGaT Center For Human Genetics Tuebingen Variant Classification Criteria Version 2. Collection method: clinical testing. Allele origin: germline. Affected: yes. Observed: 1 variant allele.
Comment: TBXAS1: PVS1:Strong, PM2, PM3:Supporting

NM_001061.7(TBXAS1):c.748G>T (p.Glu250Ter)

Gene: TBXAS1 (thromboxane A synthase 1; plus strand). Cytogenetic location: 7q34.
Variant type: single nucleotide variant.
Coding change: c.748G>T on transcript NM_001061.7 (MANE Select); coding-DNA position 748, G replaced by T.
Protein change: p.Glu250Ter; replaces glutamic acid 250 with a stop codon.
Molecular consequence: nonsense.
Genome position (GRCh38, 1-based): chr7:139,957,693, G>T. VCF-style: chr7-139957693-G-T. GRCh37 (hg19) VCF-style: chr7-139657492-G-T.
Other names: c.748G>T, p.Glu250Ter (NM_030984.6, NM_001130966.5); c.886G>T, p.Glu296Ter (NM_001166253.4); c.547G>T, p.Glu183Ter (NM_001166254.4); c.691G>T, p.Glu231Ter (NM_001314028.4); c.565G>T, p.Glu189Ter (NM_001366537.3); short protein forms E183*, E189*, E231*, E250*, E251*, E296*, E297*.
Identifiers: ClinVar variation 5039013 (VCV005039013.1).